The following is an entry in ClinVar:

ClinVar aggregate classification (germline): Likely benign. Review status: criteria provided, multiple submitters, no conflicts (2 of 4 stars). 3 submissions from 3 submitters: Likely benign (3). Last evaluated 2025-10-01.

Conditions:
Multiple endocrine neoplasia, type 2 (MEN2). Identifiers: Orphanet 653, MedGen C4048306, MONDO:0019003. Disease mechanism: gain of function.
Hereditary cancer-predisposing syndrome. Also called: Neoplastic Syndromes, Hereditary; Hereditary Cancer Syndrome; Tumor predisposition; Hereditary neoplastic syndrome. Identifiers: Orphanet 140162, MedGen C0027672, MeSH D009386, MONDO:0015356.

gnomAD v4.1: 3 of 1,614,048 alleles (0.00019%); highest among the groups gnomAD compares: Middle Eastern, 0.049%; no homozygotes.

Submissions (3):

Labcorp Genetics (formerly Invitae), Labcorp
Classification: Likely benign for Multiple endocrine neoplasia, type 2. Last evaluated: 2025-10-01. Review status: criteria provided, single submitter. Criteria: Invitae Variant Classification Sherloc (09022015). Collection method: clinical testing. Allele origin: germline.

All of Us Research Program, National Institutes of Health
Classification: Likely benign for Multiple endocrine neoplasia, type 2. Last evaluated: 2023-02-24. Review status: criteria provided, single submitter. Criteria: ACMG Guidelines, 2015. Collection method: clinical testing. Allele origin: germline. Inheritance: Autosomal dominant inheritance. Observed: 1 variant allele, 1 heterozygote.
Comment: This study involves interpretation of variants in research participants for the purpose of population health screening. Participant phenotype was not available at the time of variant classification. Additional details can be found in publication PMID: 35346344, PMCID: PMC8962531

Ambry Genetics
Classification: Likely benign for Hereditary cancer-predisposing syndrome. Last evaluated: 2020-05-04. Review status: criteria provided, single submitter. Criteria: Ambry Variant Classification Scheme 2023. Collection method: clinical testing. Allele origin: germline.

NM_020975.6(RET):c.1668C>T (p.Ser556=)

Gene: RET (ret proto-oncogene; plus strand). Cytogenetic location: 10q11.21.
Variant type: single nucleotide variant.
Coding change: c.1668C>T on transcript NM_020975.6 (MANE Select); coding-DNA position 1668, C replaced by T.
Protein change: p.Ser556=; no amino-acid change (serine 556 retained).
Molecular consequence: synonymous variant.
Genome position (GRCh38, 1-based): chr10:43,112,872, C>T. VCF-style: chr10-43112872-C-T. GRCh37 (hg19) VCF-style: chr10-43608320-C-T.
Other names: c.1668C>T, p.Ser556= (NM_000323.2, NM_001406743.1, NM_001406744.1 and 6 more transcripts); c.906C>T, p.Ser302= (NM_001355216.2); c.1539C>T, p.Ser513= (NM_001406761.1, NM_001406762.1, NM_001406764.1 and 1 more transcripts); c.1380C>T, p.Ser460= (NM_001406766.1, NM_001406767.1, NM_001406770.1); c.1272C>T, p.Ser424= (NM_001406769.1, NM_001406772.1); c.1230C>T, p.Ser410= (NM_001406771.1, NM_001406773.1); c.1143C>T, p.Ser381= (NM_001406774.1); c.942C>T, p.Ser314= (NM_001406775.1, NM_001406776.1, NM_001406777.1 and 1 more transcripts); and 5 more.
Identifiers: ClinVar variation 772972 (VCV000772972.14), dbSNP rs141771814, ClinGen allele CA469027699.